The following is an entry in ClinVar:

NM_032888.4(COL27A1):c.3358G>C (p.Gly1120Arg)

Gene: COL27A1 (collagen type XXVII alpha 1 chain; plus strand). Cytogenetic location: 9q32.
Variant type: single nucleotide variant.
Coding change: c.3358G>C on transcript NM_032888.4 (MANE Select); coding-DNA position 3358, G replaced by C.
Protein change: p.Gly1120Arg; replaces glycine 1120 with arginine.
Molecular consequence: missense variant.
Genome position (GRCh38, 1-based): chr9:114,265,440, G>C. VCF-style: chr9-114265440-G-C. GRCh37 (hg19) VCF-style: chr9-117027720-G-C.
Other names: short protein forms G1120R.
Identifiers: ClinVar variation 3902147 (VCV003902147.1).

ClinVar aggregate classification (germline): Uncertain significance (1 of 4 stars; one submission).

Submission:

Women's Health and Genetics/Laboratory Corporation of America, LabCorp
Classification: Uncertain significance. Last evaluated: 2025-05-19. Review status: criteria provided, single submitter. Criteria: LabCorp Variant Classification Summary - May 2015. Collection method: clinical testing. Allele origin: germline.
Comment: Variant summary: COL27A1 c.3358G>C (p.Gly1120Arg) results in a non-conservative amino acid change in the encoded protein sequence. Algorithms developed to predict the effect of missense changes on protein structure and function all suggest that this variant is likely to be disruptive. The variant was absent in 251110 control chromosomes. The available data on variant occurrences in the general population are insufficient to allow any conclusion about variant significance. To our knowledge, no occurrence of c.3358G>C in individuals affected with Steel syndrome and no experimental evidence demonstrating its impact on protein function have been reported. No submitters have cited clinical-significance assessments for this variant to ClinVar. Based on the evidence outlined above, the variant was classified as uncertain significance.